The following is an entry in ClinVar:

ClinVar aggregate classification (germline): Pathogenic. Review status: criteria provided, multiple submitters, no conflicts (2 of 4 stars). 3 submissions from 3 submitters: Pathogenic (2). 1 of the submissions does not count toward it. Last evaluated 2026-01-14.

Conditions:
Diabetes insipidus, nephrogenic, X-linked. Also called: Nephrogenic Diabetes Insipidus, Type I. Identifiers: Orphanet 223, MedGen C1563705, MONDO:0010581, OMIM 304800.
Nephrogenic syndrome of inappropriate antidiuresis (NSIAD). Identifiers: Orphanet 93606, MedGen C1845202, MONDO:0010356, OMIM 300539.

Submissions (3):

Labcorp Genetics (formerly Invitae), Labcorp
Classification: Pathogenic. Last evaluated: 2026-01-14. Review status: criteria provided, single submitter. Criteria: Invitae Variant Classification Sherloc (09022015). Collection method: clinical testing. Allele origin: germline.
Comment: This sequence change replaces valine, which is neutral and non-polar, with methionine, which is neutral and non-polar, at codon 88 of the AVPR2 protein (p.Val88Met). This variant is not present in population databases (gnomAD no frequency). This missense change has been observed in individuals with diabetes insipidus (PMID: 8037205, 29594432, 34101133). ClinVar contains an entry for this variant (Variation ID: 2577986). Invitae Evidence Modeling of protein sequence and biophysical properties (such as structural, functional, and spatial information, amino acid conservation, physicochemical variation, residue mobility, and thermodynamic stability) indicates that this missense variant is expected to disrupt AVPR2 protein function with a positive predictive value of 80%. Experimental studies have shown that this missense change affects AVPR2 function (PMID: 9773787). For these reasons, this variant has been classified as Pathogenic.

Fulgent Genetics
Classification: Pathogenic for Nephrogenic syndrome of inappropriate antidiuresis; Diabetes insipidus, nephrogenic, X-linked. Last evaluated: 2024-04-04. Review status: criteria provided, single submitter. Criteria: ACMG Guidelines, 2015. Collection method: clinical testing. Allele origin: germline.

Molecular Genetics laboratory, Necker Hospital
Classification: Pathogenic. Last evaluated: 2021-05-06. Review status: no assertion criteria provided. Collection method: clinical testing. Allele origin: maternal. Affected: yes. Not counted in ClinVar's aggregate classification.

Literature cited by the submitters: PubMed 8037205 (cited by Labcorp Genetics (formerly Invitae), Labcorp); PubMed 29594432 (cited by Labcorp Genetics (formerly Invitae), Labcorp); PubMed 34101133 (cited by Labcorp Genetics (formerly Invitae), Labcorp); PubMed 9773787 (cited by Labcorp Genetics (formerly Invitae), Labcorp).

NM_000054.7(AVPR2):c.262G>A (p.Val88Met)

Gene: AVPR2 (arginine vasopressin receptor 2; plus strand). Cytogenetic location: Xq28.
Variant type: single nucleotide variant.
Coding change: c.262G>A on transcript NM_000054.7 (MANE Select); coding-DNA position 262, G replaced by A.
Protein change: p.Val88Met; replaces valine 88 with methionine.
Molecular consequence: missense variant.
Genome position (GRCh38, 1-based): chrX:153,905,768, G>A. VCF-style: chrX-153905768-G-A. GRCh37 (hg19) VCF-style: chrX-153171222-G-A.
Other names: c.262G>A (NM_000054.6); c.262G>A, p.Val88Met (NM_001146151.3); short protein forms V88M.
Identifiers: ClinVar variation 2577986 (VCV002577986.5), dbSNP rs2521152920, ClinGen allele CA415104667.